The following is an entry in ClinVar:

NM_032520.5(GNPTG):c.331T>C (p.Trp111Arg)

Gene: GNPTG (N-acetylglucosamine-1-phosphate transferase subunit gamma; plus strand). Cytogenetic location: 16p13.3.
Variant type: single nucleotide variant.
Coding change: c.331T>C on transcript NM_032520.5 (MANE Select); coding-DNA position 331, T replaced by C.
Protein change: p.Trp111Arg; replaces tryptophan 111 with arginine.
Molecular consequence: missense variant.
Genome position (GRCh38, 1-based): chr16:1,362,051, T>C. VCF-style: chr16-1362051-T-C. GRCh37 (hg19) VCF-style: chr16-1412052-T-C.
Other names: short protein forms W111R.
Identifiers: ClinVar variation 1359569 (VCV001359569.6), dbSNP rs774017237, ClinGen allele CA7807642.

ClinVar aggregate classification (germline): Uncertain significance. Review status: criteria provided, multiple submitters, no conflicts (2 of 4 stars). 2 submissions from 2 submitters: Uncertain significance (2). Last evaluated 2022-08-16.

Allele frequency attached by ClinVar (database versions not stated): gnomAD exomes below 0.00001; ExAC 0.00001.

Submissions (2):

Labcorp Genetics (formerly Invitae), Labcorp
Classification: Uncertain significance. Last evaluated: 2022-08-16. Review status: criteria provided, single submitter. Criteria: Invitae Variant Classification Sherloc (09022015). Collection method: clinical testing. Allele origin: germline.
Comment: This sequence change replaces tryptophan, which is neutral and slightly polar, with arginine, which is basic and polar, at codon 111 of the GNPTG protein (p.Trp111Arg). The frequency data for this variant in the population databases is considered unreliable, as metrics indicate poor data quality at this position in the gnomAD database. This missense change has been observed in individual(s) with mucolipidosis type III (PMID: 29704188). ClinVar contains an entry for this variant (Variation ID: 1359569). Algorithms developed to predict the effect of missense changes on protein structure and function are either unavailable or do not agree on the potential impact of this missense change (SIFT: "Tolerated"; PolyPhen-2: "Probably Damaging"; Align-GVGD: "Class C0"). In summary, the available evidence is currently insufficient to determine the role of this variant in disease. Therefore, it has been classified as a Variant of Uncertain Significance.

Blueprint Genetics
Classification: Uncertain significance. Last evaluated: 2020-06-24. Review status: criteria provided, single submitter. Criteria: ACMG Guidelines, 2015. Collection method: clinical testing. Allele origin: germline.

Literature cited by the submitters: PubMed 29704188 (cited by Labcorp Genetics (formerly Invitae), Labcorp).